The following is an entry in ClinVar:

NM_001987.5(ETV6):c.34-7T>C

Gene: ETV6 (ETS variant transcription factor 6; plus strand). Cytogenetic location: 12p13.2.
Variant type: single nucleotide variant.
Coding change: c.34-7T>C on transcript NM_001987.5 (MANE Select); 7 bases into the intron before coding-DNA position 34, T replaced by C.
Molecular consequence: intron variant.
Genome position (GRCh38, 1-based): chr12:11,752,443, T>C. VCF-style: chr12-11752443-T-C. GRCh37 (hg19) VCF-style: chr12-11905377-T-C.
Other names: c.34-7T>C (NM_001987.4).
Identifiers: ClinVar variation 2175748 (VCV002175748.8), dbSNP rs369044119, ClinGen allele CA6454093.

ClinVar aggregate classification (germline): Benign/Likely benign. Review status: criteria provided, multiple submitters, no conflicts (2 of 4 stars). 4 submissions from 4 submitters: Benign (2); Likely benign (1). 1 of the submissions does not count toward it. Last evaluated 2024-09-17.

Conditions:
ETV6-related disorder. Also called: ETV6-related condition.

Allele frequency attached by ClinVar (database versions not stated): ExAC 0.00018; 1000 Genomes Project 30x 0.00031; 1000 Genomes Project 0.00040; gnomAD 0.00054; ESP Exome Variant Server 0.00062; TOPMed 0.00062.
gnomAD v4.1: 132 of 1,607,314 alleles (0.0082%); highest among the groups gnomAD compares: African/African-American, 0.15%; no homozygotes.

Submissions (4):

Labcorp Genetics (formerly Invitae), Labcorp
Classification: Benign. Last evaluated: 2024-09-17. Review status: criteria provided, single submitter. Criteria: Invitae Variant Classification Sherloc (09022015). Collection method: clinical testing. Allele origin: germline.

ARUP Laboratories, Molecular Genetics and Genomics, ARUP Laboratories
Classification: Benign. Last evaluated: 2024-04-19. Review status: criteria provided, single submitter. Criteria: ARUP Molecular Germline Variant Investigation Process 2024. Collection method: clinical testing. Allele origin: germline.

Blueprint Genetics
Classification: Likely benign. Last evaluated: 2024-02-16. Review status: criteria provided, single submitter. Criteria: ACMG Guidelines, 2015. Collection method: clinical testing. Allele origin: germline.

PreventionGenetics, part of Exact Sciences
Classification: Likely benign for ETV6-related condition. Last evaluated: 2022-05-31. Review status: no assertion criteria provided. Collection method: clinical testing. Allele origin: germline. Not counted in ClinVar's aggregate classification.
Comment: This variant is classified as likely benign based on ACMG/AMP sequence variant interpretation guidelines (Richards et al. 2015 PMID: 25741868, with internal and published modifications).